The following is an entry in ClinVar:

NM_005219.5(DIAPH1):c.1769G>T (p.Gly590Val)

Gene: DIAPH1 (diaphanous related formin 1; minus strand). Cytogenetic location: 5q31.3.
Variant type: single nucleotide variant.
Coding change: c.1769G>T on transcript NM_005219.5 (MANE Select); coding-DNA position 1769, G replaced by T.
Protein change: p.Gly590Val; replaces glycine 590 with valine.
Molecular consequence: missense variant.
Genome position (GRCh38, 1-based): chr5:141,574,081, C>A on the plus strand (G>T on the coding strand, the complement: DIAPH1 is on the minus strand). VCF-style: chr5-141574081-C-A. GRCh37 (hg19) VCF-style: chr5-140953648-C-A.
Other names: c.1742G>T, p.Gly581Val (NM_001079812.3); c.1769G>T, p.Gly590Val (NM_001314007.2); short protein forms G590V, G581V.
Identifiers: ClinVar variation 227300 (VCV000227300.51), dbSNP rs189809247, ClinGen allele CA3479214.

ClinVar aggregate classification (germline): Conflicting classifications of pathogenicity. Review status: criteria provided, conflicting classifications (1 of 4 stars). 8 submissions from 8 submitters: Uncertain significance (1); Likely benign (6). 1 of the submissions does not count toward it. Last evaluated 2026-09-01.

Conditions:
DIAPH1-related disorder. Also called: DIAPH1-related condition.
Autosomal dominant nonsyndromic hearing loss 1. Also called: DEAFNESS, AUTOSOMAL DOMINANT 1, WITH OR WITHOUT THROMBOCYTOPENIA; KONIGSMARK SYNDROME. Identifiers: Orphanet 90635, MedGen C1852282, MONDO:0007424, OMIM 124900.
Progressive microcephaly-seizures-cortical blindness-developmental delay syndrome. Also called: Seizures, cortical blindness, and microcephaly syndrome. Identifiers: Orphanet 477814, MedGen C5567650, MONDO:0014714, OMIM 616632.

Allele frequency attached by ClinVar (database versions not stated): 1000 Genomes Project 30x 0.00031; TOPMed 0.00122; ESP Exome Variant Server 0.00127.
gnomAD v4.1: 2,390 of 1,612,138 alleles (0.15%); highest among the groups gnomAD compares: Non-Finnish European, 0.18%; 3 homozygotes.

Submissions (8):

CeGaT Center for Human Genetics Tuebingen
Classification: Likely benign. Last evaluated: 2026-09-01. Review status: criteria provided, single submitter. Criteria: CeGaT Center For Human Genetics Tuebingen Variant Classification Criteria Version 2. Collection method: clinical testing. Allele origin: germline. Affected: yes. Observed: 9 variant alleles.
Comment: DIAPH1: BS2

Labcorp Genetics (formerly Invitae), Labcorp
Classification: Likely benign for Progressive microcephaly-seizures-cortical blindness-developmental delay syndrome; Autosomal dominant nonsyndromic hearing loss 1. Last evaluated: 2026-02-02. Review status: criteria provided, single submitter. Criteria: Invitae Variant Classification Sherloc (09022015). Collection method: clinical testing. Allele origin: germline.

Blueprint Genetics
Classification: Likely benign. Last evaluated: 2024-11-07. Review status: criteria provided, single submitter. Criteria: ACMG Guidelines, 2015. Collection method: clinical testing. Allele origin: germline.

GeneDx
Classification: Likely benign. Last evaluated: 2020-11-05. Review status: criteria provided, single submitter. Criteria: GeneDx Variant Classification Process June 2021. Collection method: clinical testing. Allele origin: germline. Affected: yes.
Comment: This variant is associated with the following publications: (PMID: 23804846)

Illumina Laboratory Services, Illumina
Classification: Likely benign for Autosomal dominant nonsyndromic hearing loss 1. Last evaluated: 2018-01-13. Review status: criteria provided, single submitter. Criteria: ICSL Variant Classification Criteria 13 December 2019. Collection method: clinical testing. Allele origin: germline.
Comment: This variant was observed in the ICSL laboratory as part of a predisposition screen in an ostensibly healthy population. It had not been previously curated by ICSL or reported in the Human Gene Mutation Database (HGMD: prior to June 1st, 2018), and was therefore a candidate for classification through an automated scoring system. Utilizing variant allele frequency, disease prevalence and penetrance estimates, and inheritance mode, an automated score was calculated to assess if this variant is too frequent to cause the disease. Based on the score and internal cut-off values, a variant classified as likely benign is not then subjected to further curation. The score for this variant resulted in a classification of likely benign for this disease.

Laboratory for Molecular Medicine, Mass General Brigham Personalized Medicine
Classification: Likely benign. Last evaluated: 2017-09-14. Review status: criteria provided, single submitter. Criteria: LMM Criteria. Collection method: clinical testing. Allele origin: germline. Observed: 5 variant alleles.
Comment: p.Gly590Val in exon 16 of DIAPH1: This variant is not expected to have clinical significance because it has been identified in 0.3% (69/25716) of Finnish and 0. 2% (283/125346) of European chromosomes, including 1 homozygous individual, by t he Genome Aggregation Database (gnomAD; dbSNP rs189809247).

Eurofins Ntd Llc (ga)
Classification: Uncertain significance. Last evaluated: 2016-03-21. Review status: criteria provided, single submitter. Criteria: EGL Classification Definitions 2015. Collection method: clinical testing. Allele origin: germline. Observed: 2 variant alleles, 2 heterozygotes.

PreventionGenetics, part of Exact Sciences
Classification: Likely benign for DIAPH1-related condition. Last evaluated: 2022-02-25. Review status: no assertion criteria provided. Collection method: clinical testing. Allele origin: germline. Not counted in ClinVar's aggregate classification.
Comment: This variant is classified as likely benign based on ACMG/AMP sequence variant interpretation guidelines (Richards et al. 2015 PMID: 25741868, with internal and published modifications).

Literature cited by the submitters: PubMed 23804846 (cited by Laboratory for Molecular Medicine, Mass General Brigham Personalized Medicine).